The following is an entry in ClinVar:

NM_000263.4(NAGLU):c.222_247del (p.Val75fs)

Genes: NAGLU (N-acetyl-alpha-glucosaminidase; plus strand), LOC130060903 (ATAC-STARR-seq lymphoblastoid silent region 8533; plus strand). Cytogenetic location: 17q21.2.
Variant type: Deletion.
Coding change: c.222_247del on transcript NM_000263.4 (MANE Select); coding-DNA positions 222 to 247, 26 bases deleted (CGTGCGGGTGCGCGGCTCCACGGGCG).
Protein change: p.Val75fs; shifts the reading frame from valine 75.
Molecular consequence: frameshift variant.
Genome position (GRCh38, 1-based): chr17:42,536,494-42,536,519, CGTGCGGGTGCGCGGCTCCACGGGCG deleted; deleting any 26 consecutive bases within chr17:42,536,491-42,536,519 gives the same sequence; the c. name uses the placement nearest the transcript's 3' end. VCF-style (leftmost placement, unchanged base first): chr17-42536490-CGCGCGTGCGGGTGCGCGGCTCCACGG-C. GRCh37 (hg19) VCF-style: chr17-40688508-CGCGCGTGCGGGTGCGCGGCTCCACGG-C.
Other names: c.222_247delCGTGCGGGTGCGCGGCTCCACGGGCG (NM_000263.3); short protein forms V75fs.
Identifiers: ClinVar variation 1456865 (VCV001456865.10), dbSNP rs1201516783, ClinGen allele CA772109499.

ClinVar aggregate classification (germline): Pathogenic. Review status: criteria provided, multiple submitters, no conflicts (2 of 4 stars). 3 submissions from 3 submitters: Pathogenic (3). Last evaluated 2026-01-18.

Conditions:
Mucopolysaccharidosis, MPS-III-B (MPS3B). Also called: N-ACETYL-ALPHA-D-GLUCOSAMINIDASE DEFICIENCY; NAGLU DEFICIENCY; SANFILIPPO SYNDROME B; MPS III B; MPS IIIB (Sanfilippo Syndrome Type B); MUCOPOLYSACCHARIDOSIS, TYPE IIIB. Identifiers: Orphanet 79270, MedGen C0086648, MONDO:0009656, OMIM 252920.
Charcot-Marie-Tooth disease axonal type 2V. Also called: CHARCOT-MARIE-TOOTH NEUROPATHY, TYPE 2V; CHARCOT-MARIE-TOOTH DISEASE, AXONAL, AUTOSOMAL DOMINANT, TYPE 2V. Identifiers: Orphanet 447964, MedGen C5569050, MONDO:0014665, OMIM 616491.

Submissions (3):

Labcorp Genetics (formerly Invitae), Labcorp
Classification: Pathogenic for Charcot-Marie-Tooth disease axonal type 2V; Mucopolysaccharidosis, MPS-III-B. Last evaluated: 2026-01-18. Review status: criteria provided, single submitter. Criteria: Invitae Variant Classification Sherloc (09022015). Collection method: clinical testing. Allele origin: germline.
Comment: This sequence change creates a premature translational stop signal (p.Val75Glyfs*108) in the NAGLU gene. It is expected to result in an absent or disrupted protein product. Loss-of-function variants in NAGLU are known to be pathogenic (PMID: 9832037, 10094189, 16151907). This variant is not present in population databases (gnomAD no frequency). This premature translational stop signal has been observed in individual(s) with mucopolysaccharidosis type III (PMID: 22976768). ClinVar contains an entry for this variant (Variation ID: 1456865). For these reasons, this variant has been classified as Pathogenic.

Fulgent Genetics
Classification: Pathogenic for Mucopolysaccharidosis, MPS-III-B; Charcot-Marie-Tooth disease axonal type 2V. Last evaluated: 2024-05-30. Review status: criteria provided, single submitter. Criteria: ACMG Guidelines, 2015. Collection method: clinical testing. Allele origin: germline.

Natera, Inc.
Classification: Pathogenic for Mucopolysaccharidosis type IIIB. Last evaluated: 2024-04-24. Review status: criteria provided, single submitter. Criteria: Natera Variant Classification Schema (03/2026). Collection method: clinical testing. Allele origin: germline.
Comment: The c.222_247delCGTGCGGGTGCGCGGCTCCACGGGCG variant in NAGLU is a frameshift variant predicted to shift the reading frame beginning at codon 75 and leads to a stop codon 108 codons downstream. This variant is expected to result in nonsense mediated decay, truncation, or a dysfunctional protein product. This variant is rare in the general population with a frequency below the threshold expected for the associated phenotype(s). This variant has been observed in one or more individuals affected with the associated recessive disease, as either homozygous or compound heterozygous with a second variant (PMID: 22976768). Given the available evidence, this variant is classified as Pathogenic.

Literature cited by the submitters: PubMed 9832037 (cited by Labcorp Genetics (formerly Invitae), Labcorp); PubMed 10094189 (cited by Labcorp Genetics (formerly Invitae), Labcorp); PubMed 16151907 (cited by Labcorp Genetics (formerly Invitae), Labcorp); PubMed 22976768 (cited by Labcorp Genetics (formerly Invitae), Labcorp and Natera, Inc.).